The following is an entry in ClinVar:

ClinVar aggregate classification (germline): Conflicting classifications of pathogenicity. Review status: criteria provided, conflicting classifications (1 of 4 stars). 13 submissions from 13 submitters: Uncertain significance (10); Likely benign (1). 2 of the submissions do not count toward it. Last evaluated 2026-02-01.

Conditions:
Colorectal cancer. Also called: Colorectal cancer, somatic; Malignant Colorectal Neoplasm. Identifiers: MedGen C0346629, MONDO:0005575, OMIM 114500.
Intrauterine growth retardation, metaphyseal dysplasia, adrenal hypoplasia congenita, genital anomalies, and immunodeficiency. Also called: IMAGEI SYNDROME. Identifiers: MedGen C5193036, MONDO:0032684, OMIM 618336.
Colorectal cancer, susceptibility to, 12 (CRCS12). Also called: COLORECTAL CANCER, SUSCEPTIBILITY TO, ON CHROMOSOME 12q24. Identifiers: Orphanet 220460, MedGen C3554460, MONDO:0014038, OMIM 615083.
Facial dysmorphism-immunodeficiency-livedo-short stature syndrome. Also called: FILS syndrome; Facial dysmorphism, immunodeficiency, livedo, and short stature. Identifiers: Orphanet 352712, MedGen C3554576, MONDO:0014058, OMIM 615139.
Familial colorectal cancer type X. Identifiers: Orphanet 440437, MedGen C3896578, MONDO:0018604.
Hereditary cancer-predisposing syndrome. Also called: Hereditary Cancer Syndrome; Neoplastic Syndromes, Hereditary; Hereditary neoplastic syndrome; Tumor predisposition. Identifiers: Orphanet 140162, MedGen C0027672, MeSH D009386, MONDO:0015356.
POLD1-related polyposis and colorectal cancer syndrome (CRCS10). Also called: COLORECTAL CANCER, SUSCEPTIBILITY TO, ON CHROMOSOME 19q; Colorectal cancer 10; Colorectal cancer, susceptibility to, 10. Identifiers: Orphanet 220460, MedGen C2675481, MONDO:0012953, OMIM 612591.

Allele frequency attached by ClinVar (database versions not stated): gnomAD 0.00009 and 0.00032; ExAC 0.00017; ESP Exome Variant Server 0.00023; TOPMed 0.00057.
gnomAD v4.1: 161 of 1,613,522 alleles (0.01%); highest among the groups gnomAD compares: Non-Finnish European, 0.0095%; no homozygotes.

Submissions (13):

Labcorp Genetics (formerly Invitae), Labcorp
Classification: Uncertain significance. Last evaluated: 2026-02-01. Review status: criteria provided, single submitter. Criteria: Invitae Variant Classification Sherloc (09022015). Collection method: clinical testing. Allele origin: germline.
Comment: This sequence change replaces arginine, which is basic and polar, with histidine, which is basic and polar, at codon 1324 of the POLE protein (p.Arg1324His). This variant is present in population databases (rs143981093, gnomAD 0.02%). This variant has not been reported in the literature in individuals affected with POLE-related conditions. ClinVar contains an entry for this variant (Variation ID: 240495). Invitae Evidence Modeling of protein sequence and biophysical properties (such as structural, functional, and spatial information, amino acid conservation, physicochemical variation, residue mobility, and thermodynamic stability) indicates that this missense variant is not expected to disrupt POLE protein function with a negative predictive value of 80%. In summary, the available evidence is currently insufficient to determine the role of this variant in disease. Therefore, it has been classified as a Variant of Uncertain Significance.

Center for Genomic Medicine, Rigshospitalet, Copenhagen University Hospital
Classification: Likely benign. Last evaluated: 2025-12-29. Review status: criteria provided, single submitter. Criteria: ACMG Guidelines, 2015. Collection method: clinical testing. Allele origin: germline.
Comment: Classification criteria: BS1, BP4

GeneDx
Classification: Uncertain significance. Last evaluated: 2025-09-23. Review status: criteria provided, single submitter. Criteria: GeneDx Variant Classification Process June 2021. Collection method: clinical testing. Allele origin: germline. Affected: yes.
Comment: In silico analysis supports that this missense variant has a deleterious effect on protein structure/function; Observed in an individual with breast cancer (PMID: 34326862); This variant is associated with the following publications: (PMID: 32218826, 38201563, 34326862)

Unidad de Genética Molecular HGU Elche, Hospital General Universitario de Elche
Classification: Uncertain significance for Hereditary cancer-predisposing syndrome. Last evaluated: 2025-05-05. Review status: criteria provided, single submitter. Criteria: ACMG Guidelines, 2015. Collection method: clinical testing. Allele origin: germline. Affected: yes.
Comment: PM2 supporting; BP4 supporting

Ambry Genetics
Classification: Uncertain significance for Hereditary cancer-predisposing syndrome. Last evaluated: 2024-08-23. Review status: criteria provided, single submitter. Criteria: Ambry Variant Classification Scheme 2023. Collection method: clinical testing. Allele origin: germline.
Comment: The p.R1324H variant (also known as c.3971G>A), located in coding exon 31 of the POLE gene, results from a G to A substitution at nucleotide position 3971. The arginine at codon 1324 is replaced by histidine, an amino acid with highly similar properties. This amino acid position is highly conserved in available vertebrate species. In addition, the in silico prediction for this alteration is inconclusive. Based on the available evidence, the clinical significance of this variant remains unclear.

Department of Pathology and Laboratory Medicine, Sinai Health System
Classification: Uncertain significance for Familial colorectal cancer type X. Last evaluated: 2024-08-19. Review status: criteria provided, single submitter. Criteria: ACMG Guidelines, 2015. Collection method: clinical testing. Allele origin: germline. Affected: yes.

Fulgent Genetics
Classification: Uncertain significance for Colorectal cancer, susceptibility to, 12; Facial dysmorphism-immunodeficiency-livedo-short stature syndrome; Intrauterine growth retardation, metaphyseal dysplasia, adrenal hypoplasia congenita, genital anomalies, and immunodeficiency. Last evaluated: 2024-05-08. Review status: criteria provided, single submitter. Criteria: ACMG Guidelines, 2015. Collection method: clinical testing. Allele origin: germline.

Molecular Pathology, Peter Maccallum Cancer Centre
Classification: Uncertain significance for POLD1-related polyposis and colorectal cancer syndrome. Last evaluated: 2024-01-31. Review status: criteria provided, single submitter. Criteria: ACMG Guidelines, 2015. Collection method: clinical testing. Allele origin: germline. Inheritance: Autosomal dominant inheritance.

Mayo Clinic Laboratories, Mayo Clinic
Classification: Uncertain significance. Last evaluated: 2024-01-04. Review status: criteria provided, single submitter. Criteria: ACMG Guidelines, 2015. Collection method: clinical testing. Allele origin: germline. Observed: 5 variant alleles.
Comment: BP4

Institute for Clinical Genetics, University Hospital TU Dresden, University Hospital TU Dresden
Classification: Uncertain significance. Last evaluated: 2021-11-03. Review status: criteria provided, single submitter. Criteria: ACMG Guidelines, 2015. Collection method: clinical testing. Allele origin: germline.

Quest Diagnostics Nichols Institute San Juan Capistrano
Classification: Uncertain significance. Last evaluated: 2020-02-13. Review status: criteria provided, single submitter. Criteria: Quest Diagnostics criteria. Collection method: clinical testing. Allele origin: unknown.

Zotz-Klimas Genetics Lab, MVZ Zotz Klimas
Classification: Uncertain significance for Colorectal cancer, susceptibility to, 12. Last evaluated: 2023-11-02. Review status: no assertion criteria provided. Collection method: clinical testing. Allele origin: germline. Affected: yes. Not counted in ClinVar's aggregate classification.

CSER _CC_NCGL, University of Washington
Classification: Uncertain significance for Colorectal cancer. Last evaluated: 2016-08-01. Review status: no assertion criteria provided. Collection method: research. Allele origin: germline. Inheritance: Autosomal dominant inheritance. Study: CSER - NEXT Medicine variant annotation. Not counted in ClinVar's aggregate classification.
Comment: Not in exonuclease domain.

NM_006231.4(POLE):c.3971G>A (p.Arg1324His)

Gene: POLE (DNA polymerase epsilon, catalytic subunit; minus strand). Cytogenetic location: 12q24.33.
Variant type: single nucleotide variant.
Coding change: c.3971G>A on transcript NM_006231.4 (MANE Select); coding-DNA position 3971, G replaced by A.
Protein change: p.Arg1324His; replaces arginine 1324 with histidine.
Molecular consequence: missense variant.
Genome position (GRCh38, 1-based): chr12:132,649,340, C>T on the plus strand (G>A on the coding strand, the complement: POLE is on the minus strand). VCF-style: chr12-132649340-C-T. GRCh37 (hg19) VCF-style: chr12-133225926-C-T.
Other names: short protein forms R1324H.
Identifiers: ClinVar variation 240495 (VCV000240495.30), dbSNP rs143981093, ClinGen allele CA6893042.
Genomic context (GRCh38, chr12:132,649,340, plus strand): 5'-CCCTCCCCTTGGATCAAGGTCTATACCTGCACAATCTGCCACGGAAGGTCCAGGATGCTG[C>T]GGGCAGTTCTTCGCAAGAAGCTCCCCAGCCCCGTGGCAGGACCATCCCGGATGGCCCCGG-3'
Protein context (NP_006222.2, residues 1314-1334): GLGSFLRRTA[Arg1324His]SILDLPWQIV